The following is an entry in ClinVar:

ClinVar aggregate classification (germline): Benign (1 of 4 stars; one submission).

Conditions:
Melanoma, cutaneous malignant, susceptibility to, 3. Also called: Cutaneous malignant melanoma 3. Identifiers: Orphanet 618, MedGen C1836892, MONDO:0012183, OMIM 609048.

Submission:

Myriad Genetics, Inc.
Classification: Benign for Melanoma, cutaneous malignant, susceptibility to, 3. Last evaluated: 2024-09-26. Review status: criteria provided, single submitter. Criteria: Myriad Autosomal Dominant, Autosomal Recessive and X-Linked Classification Criteria (2023). Collection method: clinical testing. Allele origin: unknown.
Comment: This variant is considered benign. This variant is a silent/synonymous amino acid change and it is not expected to impact splicing.

NM_000075.4(CDK4):c.765C>G (p.Arg255=)

Genes: CDK4 (cyclin dependent kinase 4; minus strand), TSPAN31 (tetraspanin 31; plus strand). Cytogenetic location: 12q14.1.
Variant type: single nucleotide variant.
Coding change: c.765C>G on transcript NM_000075.4 (MANE Select); coding-DNA position 765, C replaced by G.
Protein change: p.Arg255=; no amino-acid change (arginine 255 retained).
Molecular consequence: synonymous variant. On other transcripts: 3 prime UTR variant (3).
Genome position (GRCh38, 1-based): chr12:57,749,236, G>C on the plus strand (C>G on the coding strand, the complement: CDK4 is on the minus strand). VCF-style: chr12-57749236-G-C. GRCh37 (hg19) VCF-style: chr12-58143019-G-C.
Other names: c.*1946G>C (NM_001330168.2, NM_001330169.2, NM_005981.5).
Identifiers: ClinVar variation 3378787 (VCV003378787.1).
Genomic context (GRCh38, chr12:57,749,236, plus strand): 5'-CAGTACCAGCAGCAGCTGTGCTCCCGACTCCTCCATCTCAGGTACCACCGACTGCACTGG[G>C]CGGGGCCCTCTGGGGGGAAAGGCTCCACGGGGCAGGGATACATCTCGAGGCCAGTCATCC-3'
Protein context (NP_000066.1, residues 245-265): PRGAFPPRGP[Arg255=]PVQSVVPEME